The following is an entry in ClinVar:

ClinVar aggregate classification (germline): Uncertain significance (1 of 4 stars; one submission).

gnomAD v4.1: 2 of 1,550,372 alleles (0.00013%); highest among the groups gnomAD compares: Non-Finnish European, 0.00017%; no homozygotes.

Submission:

Labcorp Genetics (formerly Invitae), Labcorp
Classification: Uncertain significance. Last evaluated: 2025-03-16. Review status: criteria provided, single submitter. Criteria: Invitae Variant Classification Sherloc (09022015). Collection method: clinical testing. Allele origin: germline.
Comment: This sequence change replaces serine, which is neutral and polar, with asparagine, which is neutral and polar, at codon 1658 of the ZNF469 protein (p.Ser1658Asn). This variant is not present in population databases (gnomAD no frequency). This variant has not been reported in the literature in individuals affected with ZNF469-related conditions. An algorithm developed to predict the effect of missense changes on protein structure and function (PolyPhen-2) suggests that this variant is likely to be disruptive. In summary, the available evidence is currently insufficient to determine the role of this variant in disease. Therefore, it has been classified as a Variant of Uncertain Significance.

NM_001367624.2(ZNF469):c.5057G>A (p.Ser1686Asn)

Gene: ZNF469 (zinc finger protein 469; plus strand). Cytogenetic location: 16q24.2.
Variant type: single nucleotide variant.
Coding change: c.5057G>A on transcript NM_001367624.2 (MANE Select); coding-DNA position 5057, G replaced by A.
Protein change: p.Ser1686Asn; replaces serine 1686 with asparagine.
Molecular consequence: missense variant.
Genome position (GRCh38, 1-based): chr16:88,432,527, G>A. VCF-style: chr16-88432527-G-A. GRCh37 (hg19) VCF-style: chr16-88498935-G-A.
Other names: short protein forms S1686N.
Identifiers: ClinVar variation 4702670 (VCV004702670.1).